The following is an entry in ClinVar:

NM_016180.5(SLC45A2):c.152_153del (p.Val51fs)

Gene: SLC45A2 (solute carrier family 45 member 2; minus strand). Cytogenetic location: 5p13.2.
Variant type: Deletion.
Coding change: c.152_153del on transcript NM_016180.5 (MANE Select); coding-DNA positions 152 to 153, 2 bases deleted (TG; older notation c.152_153delTG).
Protein change: p.Val51fs; shifts the reading frame from valine 51.
Molecular consequence: frameshift variant.
Genome position (GRCh38, 1-based): chr5:33,984,431-33,984,432, CA deleted on the plus strand (TG on the coding strand, the reverse complement: SLC45A2 is on the minus strand); deleting any 2 consecutive bases within chr5:33,984,431-33,984,433 gives the same sequence; the c. name uses the placement nearest the transcript's 3' end. VCF-style (leftmost placement, unchanged base first): chr5-33984430-CCA-C. GRCh37 (hg19) VCF-style: chr5-33984535-CCA-C.
Other names: c.152_153del, p.Val51fs (NM_001012509.4, NM_001297417.4); short protein forms V51fs.
Identifiers: ClinVar variation 2203624 (VCV002203624.4), dbSNP rs2478924449, ClinGen allele CA2580073176.

ClinVar aggregate classification (germline): Pathogenic (1 of 4 stars; one submission).

Submission:

Labcorp Genetics (formerly Invitae), Labcorp
Classification: Pathogenic. Last evaluated: 2022-03-28. Review status: criteria provided, single submitter. Criteria: Invitae Variant Classification Sherloc (09022015). Collection method: clinical testing. Allele origin: germline.
Comment: For these reasons, this variant has been classified as Pathogenic. This premature translational stop signal has been observed in individual(s) with clinical features of ocular albinism (PMID: 21458243, 31077556). This variant is not present in population databases (gnomAD no frequency). This sequence change creates a premature translational stop signal (p.Val51Glyfs*82) in the SLC45A2 gene. It is expected to result in an absent or disrupted protein product. Loss-of-function variants in SLC45A2 are known to be pathogenic (PMID: 21458243, 26573111).

Literature cited by the submitters: PubMed 21458243; PubMed 31077556; PubMed 26573111.